The following continues an entry in ClinVar:

NM_000077.5(CDKN2A):c.301G>T (p.Gly101Trp)

Gene: CDKN2A. ClinVar aggregate classification (germline): Pathogenic. Pathogenic (22).

Submissions 22 to 26 of 26:

Centre for Mendelian Genomics, University Medical Centre Ljubljana
Classification: Pathogenic for Malignant melanoma of skin. Last evaluated: 2015-06-18. Review status: criteria provided, single submitter. Criteria: ACMG Guidelines, 2015. Collection method: clinical testing. Allele origin: unknown. Affected: yes.

PreventionGenetics, part of Exact Sciences
Classification: Pathogenic for CDKN2A-related condition. Last evaluated: 2024-07-18. Review status: no assertion criteria provided. Collection method: clinical testing. Allele origin: germline. Not counted in ClinVar's aggregate classification.
Comment: The CDKN2A c.301G>T variant is predicted to result in the amino acid substitution p.Gly101Trp. This variant has been reported in several individuals to be causative for melanoma, mesothelioma, and pancreatic cancer (reported as 295 codon 93 Gly to Trp in Hussussian et al. 1994. PubMed ID: 7987387; Betti et al. 2016. PubMed: 27181379; Supplemental table S10, Roberts et al. 2016. PubMed ID: 26658419). In addition, functional studies supports its deleterious effect (Kannengiesser et al. 2009. PubMed ID: 19260062; McKenzie et al. 2010. PubMed ID: 20340136; Miller et al. 2011. PubMed ID: 21462282). This variant has not been reported in a large population database; and, it has been interpreted as pathogenic in the ClinVar database. In summary, this variant is interpreted as pathogenic.

Counsyl
Classification: Pathogenic for Melanoma-pancreatic cancer syndrome. Last evaluated: 2017-02-01. Review status: no assertion criteria provided. Collection method: clinical testing. Allele origin: unknown. Not counted in ClinVar's aggregate classification.

OMIM
Classification: risk factor for MELANOMA, CUTANEOUS MALIGNANT, SUSCEPTIBILITY TO, 2. Last evaluated: 2010-06-01. Review status: no assertion criteria provided. Collection method: literature only. Allele origin: germline. Not counted in ClinVar's aggregate classification.

OMIM
Classification: Pathogenic for MELANOMA-PANCREATIC CANCER SYNDROME. Last evaluated: 2010-06-01. Review status: no assertion criteria provided. Collection method: literature only. Allele origin: germline. Not counted in ClinVar's aggregate classification.

Literature cited by the submitters: PubMed 7987387 (cited by 7 submitters); PubMed 7666917 (cited by 5 submitters); PubMed 10869234 (cited by 7 submitters); PubMed 11807902 (cited by 4 submitters); PubMed 14679123 (cited by 4 submitters); PubMed 19500876 (cited by Dasa); PubMed 26775776 (cited by 3 submitters); PubMed 26681309 (cited by 4 submitters); PubMed 7647780 (cited by 6 submitters); PubMed 7780957 (cited by Dasa); PubMed 8668202 (cited by 3 submitters); PubMed 9324288 (cited by 3 submitters); PubMed 19260062 (cited by 6 submitters); PubMed 20340136 (cited by 7 submitters); PubMed 21462282 (cited by 7 submitters); PubMed 24659262 (cited by 4 submitters); PubMed 22804906 (cited by Dasa); PubMed 19158841 (cited by Dasa); PubMed 26225579 (cited by Dasa); PubMed 27181379 (cited by 4 submitters); PubMed 25787093 (cited by Dasa); PubMed 22841127 (cited by Dasa and Color Diagnostics, LLC DBA Color Health); PubMed 26650572 (cited by Dasa); PubMed 25970827 (cited by Dasa); PubMed 36980738 (cited by Dasa); PubMed 35988656 (cited by Dasa); PubMed 36717525 (cited by Dasa); PubMed 32191290 (cited by Dasa); PubMed 36495689 (cited by Dasa); PubMed 28146043 (cited by 3 submitters); PubMed 28452926 (cited by Dasa); PubMed 28726808 (cited by Dasa); PubMed 7777061 (cited by Dasa); PubMed 10389768 (cited by 4 submitters); PubMed 18024887 (cited by Dasa); PubMed 17167857 (cited by Dasa); PubMed 25780468 (cited by Dasa and Color Diagnostics, LLC DBA Color Health); PubMed 15235029 (cited by Dasa); PubMed 15140239 (cited by Dasa); PubMed 10874641 (cited by Dasa); PubMed 25803691 (cited by Dasa); PubMed 7987388 (cited by Dasa and Women's Health and Genetics/Laboratory Corporation of America, LabCorp); PubMed 7566978 (cited by 3 submitters); PubMed 19360740 (cited by 4 submitters); PubMed 15860862 (cited by Dasa and Color Diagnostics, LLC DBA Color Health); PubMed 22368299 (cited by Dasa); PubMed 25023876 (cited by Dasa); PubMed 25431349 (cited by Dasa); PubMed 26800492 (cited by Dasa); PubMed 26892652 (cited by Dasa); PubMed 26650189 (cited by Dasa); PubMed 27473757 (cited by Dasa); PubMed 26658419 (cited by 4 submitters); PubMed 28060055 (cited by Dasa); PubMed 26381259 (cited by 5 submitters); PubMed 28030792 (cited by Dasa); PubMed 28592523 (cited by Dasa); PubMed 27926368 (cited by Dasa); PubMed 29464027 (cited by Dasa and Color Diagnostics, LLC DBA Color Health); PubMed 20653773 (cited by Dasa); PubMed 29543703 (cited by Dasa and Quest Diagnostics Nichols Institute San Juan Capistrano); PubMed 30113427 (cited by Dasa and Quest Diagnostics Nichols Institute San Juan Capistrano); PubMed 30338612 (cited by Dasa); PubMed 31432501 (cited by Dasa and Color Diagnostics, LLC DBA Color Health); PubMed 11243640 (cited by Dasa); PubMed 36139606 (cited by Dasa); PubMed 12001124 (cited by Dasa and Women's Health and Genetics/Laboratory Corporation of America, LabCorp); PubMed 27960642 (cited by Dasa and Women's Health and Genetics/Laboratory Corporation of America, LabCorp); PubMed 21801156 (cited by 4 submitters); PubMed 8012957 (cited by Dasa and OMIM); PubMed 16818274 (cited by Dasa and Women's Health and Genetics/Laboratory Corporation of America, LabCorp); PubMed 27756164 (cited by Dasa and Women's Health and Genetics/Laboratory Corporation of America, LabCorp); PubMed 9166859 (cited by Dasa and Women's Health and Genetics/Laboratory Corporation of America, LabCorp); PubMed 9425228 (cited by 3 submitters); PubMed 15146471 (cited by 5 submitters); PubMed 11579459 (cited by 4 submitters); PubMed 8552158 (cited by 4 submitters); PubMed 7718873 (cited by Dasa and Women's Health and Genetics/Laboratory Corporation of America, LabCorp); PubMed 29922827 (cited by Dasa); PubMed 32482799 (cited by Dasa); PubMed 18519632 (cited by Dasa and Women's Health and Genetics/Laboratory Corporation of America, LabCorp); PubMed 35123577 (cited by Dasa); PubMed 31628766 (cited by Dasa); PubMed 30218143 (cited by Dasa); PubMed 30291219 (cited by Dasa and Quest Diagnostics Nichols Institute San Juan Capistrano); PubMed 28765326 (cited by Dasa and Women's Health and Genetics/Laboratory Corporation of America, LabCorp); PubMed 15173226 (cited by Dasa); PubMed 8755727 (cited by Quest Diagnostics Nichols Institute San Juan Capistrano and Ambry Genetics); PubMed 17397031 (cited by Quest Diagnostics Nichols Institute San Juan Capistrano); PubMed 10508477 (cited by Quest Diagnostics Nichols Institute San Juan Capistrano and Color Diagnostics, LLC DBA Color Health); PubMed 33102592 (cited by Quest Diagnostics Nichols Institute San Juan Capistrano); PubMed 39029294 (cited by Quest Diagnostics Nichols Institute San Juan Capistrano); PubMed 21893440 (cited by Center for Genomic Medicine, Rigshospitalet, Copenhagen University Hospital); PubMed 12072543 (cited by Color Diagnostics, LLC DBA Color Health); PubMed 16234564 (cited by Color Diagnostics, LLC DBA Color Health); PubMed 29945567 (cited by Color Diagnostics, LLC DBA Color Health); PubMed 30274933 (cited by Color Diagnostics, LLC DBA Color Health); PubMed 31517177 (cited by Color Diagnostics, LLC DBA Color Health); PubMed 32455486 (cited by Color Diagnostics, LLC DBA Color Health); PubMed 11556834 (cited by Myriad Genetics, Inc.); PubMed 17047042 (cited by Myriad Genetics, Inc.).